The following is an entry in ClinVar:

ClinVar aggregate classification (germline): Uncertain significance. Review status: criteria provided, multiple submitters, no conflicts (2 of 4 stars). 2 submissions from 2 submitters: Uncertain significance (2). Last evaluated 2024-04-10.

Conditions:
Malignant hyperthermia, susceptibility to, 1 (MHS1). Also called: RYR1-Related Malignant Hyperthermia Susceptibility; Malignant hyperthermia suceptibility 1; Anesthesia related hyperthermia; Malignant hyperpyrexia; Fulminating hyperpyrexia; Pharmacogenic myopathy. Identifiers: Orphanet 423, MedGen C2930980, MONDO:0007783, OMIM 145600.
RYR1-related disorder. Also called: RYR1-related condition; RYR1-related disorders. Identifiers: MedGen CN239331.

Allele frequency attached by ClinVar (database versions not stated): gnomAD exomes below 0.00001; gnomAD 0.00001; TOPMed 0.00002.
gnomAD v4.1: 5 of 1,593,636 alleles (0.00031%); highest among the groups gnomAD compares: African/African-American, 0.0013%; no homozygotes.

Submissions (2):

All of Us Research Program, National Institutes of Health
Classification: Uncertain significance for Malignant hyperthermia, susceptibility to, 1. Last evaluated: 2024-04-10. Review status: criteria provided, single submitter. Criteria: ACMG Guidelines, 2015. Collection method: clinical testing. Allele origin: germline. Inheritance: Autosomal dominant inheritance. Observed: 1 variant allele, 1 heterozygote.
Comment: This study involves interpretation of variants in research participants for the purpose of population health screening. Participant phenotype was not available at the time of variant classification. Additional details can be found in publication PMID: 35346344, PMCID: PMC8962531

Labcorp Genetics (formerly Invitae), Labcorp
Classification: Uncertain significance for RYR1-related disorder. Last evaluated: 2022-01-11. Review status: criteria provided, single submitter. Criteria: Invitae Variant Classification Sherloc (09022015). Collection method: clinical testing. Allele origin: germline.
Comment: This sequence change replaces arginine, which is basic and polar, with tryptophan, which is neutral and slightly polar, at codon 1323 of the RYR1 protein (p.Arg1323Trp). This variant is not present in population databases (gnomAD no frequency). This variant has not been reported in the literature in individuals affected with RYR1-related conditions. Advanced modeling of protein sequence and biophysical properties (such as structural, functional, and spatial information, amino acid conservation, physicochemical variation, residue mobility, and thermodynamic stability) performed at Invitae indicates that this missense variant is not expected to disrupt RYR1 protein function. In summary, the available evidence is currently insufficient to determine the role of this variant in disease. Therefore, it has been classified as a Variant of Uncertain Significance.

NM_000540.3(RYR1):c.3967C>T (p.Arg1323Trp)

Gene: RYR1 (ryanodine receptor 1; plus strand). Cytogenetic location: 19q13.2.
Variant type: single nucleotide variant.
Coding change: c.3967C>T on transcript NM_000540.3 (MANE Select); coding-DNA position 3967, C replaced by T.
Protein change: p.Arg1323Trp; replaces arginine 1323 with tryptophan.
Molecular consequence: missense variant.
Genome position (GRCh38, 1-based): chr19:38,473,578, C>T. VCF-style: chr19-38473578-C-T. GRCh37 (hg19) VCF-style: chr19-38964218-C-T.
Other names: c.3967C>T, p.Arg1323Trp (NM_001042723.2); short protein forms R1323W.
Identifiers: ClinVar variation 2073986 (VCV002073986.2), dbSNP rs898280777, ClinGen allele CA308079715.